The following is an entry in ClinVar:

NM_000297.4(PKD2):c.2692A>C (p.Ser898Arg)

Gene: PKD2 (polycystin 2, transient receptor potential cation channel; plus strand). Cytogenetic location: 4q22.1.
Variant type: single nucleotide variant.
Coding change: c.2692A>C on transcript NM_000297.4 (MANE Select); coding-DNA position 2692, A replaced by C.
Protein change: p.Ser898Arg; replaces serine 898 with arginine.
Molecular consequence: missense variant. On other transcripts: non-coding transcript variant (1).
Genome position (GRCh38, 1-based): chr4:88,075,479, A>C. VCF-style: chr4-88075479-A-C. GRCh37 (hg19) VCF-style: chr4-88996631-A-C.
Other names: short protein forms S898R.
Identifiers: ClinVar variation 1901715 (VCV001901715.5), dbSNP rs555280901, ClinGen allele CA3004336.

ClinVar aggregate classification (germline): Uncertain significance (1 of 4 stars; one submission).

Conditions:
Autosomal dominant polycystic kidney disease. Identifiers: Orphanet 730, MedGen C0085413, MONDO:0004691.

Allele frequency attached by ClinVar (database versions not stated): TOPMed below 0.00001; ExAC 0.00001.
gnomAD v4.1: 8 of 1,614,050 alleles (0.0005%); highest among the groups gnomAD compares: Non-Finnish European, 0.00068%; no homozygotes.

Submission:

Labcorp Genetics (formerly Invitae), Labcorp
Classification: Uncertain significance for Autosomal dominant polycystic kidney disease. Last evaluated: 2022-05-25. Review status: criteria provided, single submitter. Criteria: Invitae Variant Classification Sherloc (09022015). Collection method: clinical testing. Allele origin: germline.
Comment: In summary, the available evidence is currently insufficient to determine the role of this variant in disease. Therefore, it has been classified as a Variant of Uncertain Significance. Algorithms developed to predict the effect of missense changes on protein structure and function are either unavailable or do not agree on the potential impact of this missense change (SIFT: "Deleterious"; PolyPhen-2: "Benign"; Align-GVGD: "Class C0"). This variant has not been reported in the literature in individuals affected with PKD2-related conditions. This variant is present in population databases (rs555280901, gnomAD 0.0009%). This sequence change replaces serine, which is neutral and polar, with arginine, which is basic and polar, at codon 898 of the PKD2 protein (p.Ser898Arg).